The following is an entry in ClinVar:

ClinVar aggregate classification (germline): Uncertain significance (1 of 4 stars; one submission).

Allele frequency attached by ClinVar (database versions not stated): gnomAD exomes below 0.00001.
gnomAD v4.1: 1 of 1,614,112 alleles (0.000062%); highest among the groups gnomAD compares: Non-Finnish European, 0.000085%; no homozygotes.

Submission:

Ambry Genetics
Classification: Uncertain significance. Last evaluated: 2025-08-01. Review status: criteria provided, single submitter. Criteria: Ambry Variant Classification Scheme 2023. Collection method: clinical testing. Allele origin: germline.
Comment: The p.Y319N variant (also known as c.955T>A), located in coding exon 7 of the RINT1 gene, results from a T to A substitution at nucleotide position 955. The tyrosine at codon 319 is replaced by asparagine, an amino acid with dissimilar properties. This amino acid position is conserved. In addition, this alteration is predicted to be deleterious by in silico analysis. Since supporting evidence is limited at this time, the clinical significance of this alteration remains unclear.

NM_021930.6(RINT1):c.955T>A (p.Tyr319Asn)

Gene: RINT1 (RAD50 interactor 1; plus strand). Cytogenetic location: 7q22.3.
Variant type: single nucleotide variant.
Coding change: c.955T>A on transcript NM_021930.6 (MANE Select); coding-DNA position 955, T replaced by A.
Protein change: p.Tyr319Asn; replaces tyrosine 319 with asparagine.
Molecular consequence: missense variant. On other transcripts: 5 prime UTR variant (1), non-coding transcript variant (1), intron variant (1).
Genome position (GRCh38, 1-based): chr7:105,548,669, T>A. VCF-style: chr7-105548669-T-A. GRCh37 (hg19) VCF-style: chr7-105189116-T-A.
Other names: c.721T>A, p.Tyr241Asn (NM_001346599.2); c.-65T>A (NM_001346600.2); c.31T>A, p.Tyr11Asn (NM_001346601.2); c.-27-1386T>A (NM_001346603.2); short protein forms Y319N, Y11N, Y241N.
Identifiers: ClinVar variation 2622726 (VCV002622726.3), dbSNP rs2133393834, ClinGen allele CA368808059.
Genomic context (GRCh38, chr7:105,548,669, plus strand): 5'-TCCCCTTCTGTCATCCTGCCCATCCAGGTTATGCTGACTCCTCTTCAGAAGAGGTTCAGG[T>A]ATCACTTCAGAGGGAACCGGCAGACTAATGTGTTAAGCAAGGTGTGTTTTGCCAGCTCTT-3'
Protein context (NP_068749.3, residues 309-329): MLTPLQKRFR[Tyr319Asn]HFRGNRQTNV